The following is an entry in ClinVar:

ClinVar aggregate classification (germline): Benign (0 of 4 stars; one submission).

Conditions:
SLC7A2-related disorder. Also called: SLC7A2-related condition.

Allele frequency attached by ClinVar (database versions not stated): ESP Exome Variant Server 0.00200; 1000 Genomes Project 0.00260; 1000 Genomes Project 30x 0.00297.
gnomAD v4.1: 4,338 of 1,551,144 alleles (0.28%); highest among the groups gnomAD compares: South Asian, 1.5%; 31 homozygotes.

Submission:

PreventionGenetics, part of Exact Sciences
Classification: Benign for SLC7A2-related condition. Last evaluated: 2019-12-11. Review status: no assertion criteria provided. Collection method: clinical testing. Allele origin: germline.
Comment: This variant is classified as benign based on ACMG/AMP sequence variant interpretation guidelines (Richards et al. 2015 PMID: 25741868, with internal and published modifications).

NM_001370338.1(SLC7A2):c.313G>C (p.Val105Leu)

Gene: SLC7A2 (solute carrier family 7 member 2; plus strand). Cytogenetic location: 8p22.
Variant type: single nucleotide variant.
Coding change: c.313G>C on transcript NM_001370338.1 (MANE Select); coding-DNA position 313, G replaced by C.
Protein change: p.Val105Leu; replaces valine 105 with leucine.
Molecular consequence: missense variant.
Genome position (GRCh38, 1-based): chr8:17,543,652, G>C. VCF-style: chr8-17543652-G-C. GRCh37 (hg19) VCF-style: chr8-17401161-G-C.
Other names: c.313G>C, p.Val105Leu (NM_001008539.4, NM_001370337.1); c.433G>C, p.Val145Leu (NM_001164771.2, NM_003046.6); short protein forms V105L, V145L.
Identifiers: ClinVar variation 3042141 (VCV003042141.2), dbSNP rs145975234, ClinGen allele CA4644634.